The following is an entry in ClinVar:

ClinVar aggregate classification (germline): Likely pathogenic (1 of 4 stars; one submission).

Conditions:
Autosomal recessive nonsyndromic hearing loss 7. Also called: DEAFNESS, AUTOSOMAL RECESSIVE 11. Identifiers: Orphanet 90636, MedGen C1832978, MONDO:0010967, OMIM 600974.

Submission:

Institute of Rare Diseases, West China Hospital, Sichuan University
Classification: Likely pathogenic for Autosomal recessive nonsyndromic hearing loss 7. Last evaluated: 2025-01-09. Review status: criteria provided, single submitter. Criteria: ClinGen HL ACMG Specifications v1. Collection method: research. Allele origin: germline. Affected: yes.
Comment: PVS1;PM2_Supporting

NM_138691.3(TMC1):c.1224+1G>A

Gene: TMC1 (transmembrane channel like 1; plus strand). Cytogenetic location: 9q21.13.
Variant type: single nucleotide variant.
Coding change: c.1224+1G>A on transcript NM_138691.3 (MANE Select); the canonical splice donor site of the intron after coding-DNA position 1224, G replaced by A.
Molecular consequence: splice donor variant.
Genome position (GRCh38, 1-based): chr9:72,789,318, G>A. VCF-style: chr9-72789318-G-A. GRCh37 (hg19) VCF-style: chr9-75404234-G-A.
Identifiers: ClinVar variation 3601884 (VCV003601884.1).